The following is an entry in ClinVar:

NM_000208.4(INSR):c.*4270G>A

Gene: INSR (insulin receptor; minus strand). Cytogenetic location: 19p13.2.
Variant type: single nucleotide variant.
Coding change: c.*4270G>A on transcript NM_000208.4 (MANE Select); 4270 bases downstream of the stop codon, G replaced by A.
Molecular consequence: 3 prime UTR variant.
Genome position (GRCh38, 1-based): chr19:7,112,786, C>T on the plus strand (G>A on the coding strand, the complement: INSR is on the minus strand). VCF-style: chr19-7112786-C-T. GRCh37 (hg19) VCF-style: chr19-7112797-C-T.
Other names: c.*4270G>A (NM_001079817.3).
Identifiers: ClinVar variation 330353 (VCV000330353.5), dbSNP rs74433419, ClinGen allele CA10652829.

ClinVar aggregate classification (germline): Benign. Review status: criteria provided, single submitter (1 of 4 stars). 3 submissions from 1 submitter: Benign (3). Last evaluated 2018-01-13.

Conditions:
Leprechaunism syndrome. Also called: Donohue syndrome; LEPRECHAUNISM. Identifiers: Orphanet 508, MedGen C0265344, MONDO:0009517, OMIM 246200.
Rabson-Mendenhall syndrome. Also called: MENDENHALL SYNDROME; Pineal Hyperplasia, Insulin-Resistant Diabetes Mellitus, and Somatic Abnormalities; Pineal hyperplasia AND diabetes mellitus syndrome. Identifiers: Orphanet 769, MedGen C0271695, MONDO:0009874, OMIM 262190.
Insulin-resistant diabetes mellitus AND acanthosis nigricans. Also called: Insulin-resistance syndrome type A; INSULIN RECEPTOR, DEFECT IN, WITH INSULIN-RESISTANT DIABETES MELLITUS AND ACANTHOSIS NIGRICANS; IRAN, TYPE A; type A insulin resistance; DIABETES MELLITUS, INSULIN-RESISTANT, WITH ACANTHOSIS NIGRICANS, TYPE A. Identifiers: Orphanet 2297, MedGen C0342278, MONDO:0012520, OMIM 610549.

Allele frequency attached by ClinVar (database versions not stated): gnomAD 0.00386; TOPMed 0.00549; 1000 Genomes Project 30x 0.01405; 1000 Genomes Project 0.01597.

Submissions (3):

Illumina Laboratory Services, Illumina
Classification: Benign for Rabson-Mendenhall syndrome. Last evaluated: 2018-01-13. Review status: criteria provided, single submitter. Criteria: ICSL Variant Classification Criteria 13 December 2019. Collection method: clinical testing. Allele origin: germline.
Comment: This variant was observed in the ICSL laboratory as part of a predisposition screen in an ostensibly healthy population. It had not been previously curated by ICSL or reported in the Human Gene Mutation Database (HGMD: prior to June 1st, 2018), and was therefore a candidate for classification through an automated scoring system. Utilizing variant allele frequency, disease prevalence and penetrance estimates, and inheritance mode, an automated score was calculated to assess if this variant is too frequent to cause the disease. Based on the score and internal cut-off values, a variant classified as benign is not then subjected to further curation. The score for this variant resulted in a classification of benign for this disease.

Illumina Laboratory Services, Illumina
Classification: Benign for Leprechaunism syndrome. Last evaluated: 2018-01-13. Review status: criteria provided, single submitter. Criteria: ICSL Variant Classification Criteria 13 December 2019. Collection method: clinical testing. Allele origin: germline.
Comment: the same text as in the submission from Illumina Laboratory Services, Illumina above.

Illumina Laboratory Services, Illumina
Classification: Benign for Insulin-resistant diabetes mellitus AND acanthosis nigricans. Last evaluated: 2018-01-13. Review status: criteria provided, single submitter. Criteria: ICSL Variant Classification Criteria 13 December 2019. Collection method: clinical testing. Allele origin: germline.
Comment: the same text as in the submission from Illumina Laboratory Services, Illumina above.